The following is an entry in ClinVar:

ClinVar aggregate classification (germline): Pathogenic (1 of 4 stars; one submission).

Conditions:
Congenital lactic acidosis, Saguenay-Lac-Saint-Jean type (MC4DN5). Also called: CYTOCHROME c OXIDASE DEFICIENCY, FRENCH CANADIAN TYPE; COX DEFICIENCY, FRENCH CANADIAN TYPE; MITOCHONDRIAL COMPLEX IV DEFICIENCY, NUCLEAR TYPE 5. Identifiers: Orphanet 70472, MedGen C1857355, MONDO:0009069, OMIM 220111.

Submission:

Myriad Genetics, Inc.
Classification: Pathogenic for Congenital lactic acidosis, Saguenay-Lac-Saint-Jean type. Last evaluated: 2024-03-20. Review status: criteria provided, single submitter. Criteria: Myriad Autosomal Dominant, Autosomal Recessive and X-Linked Classification Criteria (2023). Collection method: clinical testing. Allele origin: unknown.
Comment: NM_133259.3(LRPPRC):c.1953dupA(D652Rfs*12) is expected to be pathogenic in the context of Leigh syndrome, French-Canadian type. This variant is predicted to lead to an abnormal or absent protein product due to the creation of a premature termination codon in LRPPRC, a gene where loss-of-function variants are known to be pathogenic. Please note: this variant was assessed in the context of healthy population screening.

NM_133259.4(LRPPRC):c.1953dup (p.Asp652fs)

Gene: LRPPRC (leucine rich pentatricopeptide repeat containing; minus strand). Cytogenetic location: 2p21.
Variant type: Duplication.
Coding change: c.1953dup on transcript NM_133259.4 (MANE Select); coding-DNA position 1953, one base duplicated (A; older notation c.1953dupA).
Protein change: p.Asp652fs; shifts the reading frame from aspartic acid 652.
Molecular consequence: frameshift variant.
Genome position (GRCh38, 1-based): chr2:43,947,743, T duplicated on the plus strand (A on the coding strand, the reverse complement: LRPPRC is on the minus strand). VCF-style (leftmost placement, unchanged base first): chr2-43947742-C-CT. GRCh37 (hg19) VCF-style: chr2-44174881-C-CT.
Other names: short protein forms D652fs.
Identifiers: ClinVar variation 5012838 (VCV005012838.1).